The following is an entry in ClinVar:

ClinVar aggregate classification (germline): Uncertain significance (1 of 4 stars; one submission).

Conditions:
Ehlers-Danlos syndrome, classic type, 1 (EDSCL1). Also called: EHLERS-DANLOS SYNDROME, GRAVIS TYPE; EHLERS-DANLOS SYNDROME, SEVERE CLASSIC TYPE; Ehlers-Danlos syndrome, type 1; Ehlers-Danlos Syndrome, Classic Type, COL5A1-Related; EDS I. Identifiers: MedGen C0268335, MONDO:0019567, OMIM 130000.

Submission:

Labcorp Genetics (formerly Invitae), Labcorp
Classification: Uncertain significance for Ehlers-Danlos syndrome, classic type, 1. Last evaluated: 2022-11-24. Review status: criteria provided, single submitter. Criteria: Invitae Variant Classification Sherloc (09022015). Collection method: clinical testing. Allele origin: germline.
Comment: In summary, the available evidence is currently insufficient to determine the role of this variant in disease. Therefore, it has been classified as a Variant of Uncertain Significance. Variants that disrupt the consensus splice site are a relatively common cause of aberrant splicing (PMID: 17576681, 9536098). Algorithms developed to predict the effect of sequence changes on RNA splicing suggest that this variant is not likely to affect RNA splicing. This variant has not been reported in the literature in individuals affected with COL5A2-related conditions. This variant is not present in population databases (gnomAD no frequency). This sequence change falls in intron 50 of the COL5A2 gene. It does not directly change the encoded amino acid sequence of the COL5A2 protein. It affects a nucleotide within the consensus splice site.

Literature cited by the submitters: PubMed 17576681; PubMed 9536098.

NM_000393.5(COL5A2):c.3634-3T>C

Gene: COL5A2 (collagen type V alpha 2 chain; minus strand). Cytogenetic location: 2q32.2.
Variant type: single nucleotide variant.
Coding change: c.3634-3T>C on transcript NM_000393.5 (MANE Select); 3 bases into the intron before coding-DNA position 3634, T replaced by C.
Molecular consequence: intron variant.
Genome position (GRCh38, 1-based): chr2:189,039,566, A>G on the plus strand (T>C on the coding strand, the complement: COL5A2 is on the minus strand). VCF-style: chr2-189039566-A-G. GRCh37 (hg19) VCF-style: chr2-189904292-A-G.
Identifiers: ClinVar variation 2816378 (VCV002816378.3), dbSNP rs2469222036, ClinGen allele CA2739279182.